The following is an entry in ClinVar:

ClinVar aggregate classification (germline): Pathogenic (1 of 4 stars; one submission).

Conditions:
Duchenne muscular dystrophy (DMD). Also called: MUSCULAR DYSTROPHY, PSEUDOHYPERTROPHIC PROGRESSIVE, DUCHENNE TYPE; Duchenne Muscular Dystrophy (DMD). Identifiers: Orphanet 98896, MedGen C0013264, MONDO:0010679, OMIM 310200.

Submission:

Labcorp Genetics (formerly Invitae), Labcorp
Classification: Pathogenic for Duchenne muscular dystrophy. Last evaluated: 2022-08-03. Review status: criteria provided, single submitter. Criteria: Invitae Variant Classification Sherloc (09022015). Collection method: clinical testing. Allele origin: germline.
Comment: For these reasons, this variant has been classified as Pathogenic. ClinVar contains an entry for this variant (Variation ID: 950754). This variant is also known as 6202 del C. This premature translational stop signal has been observed in individual(s) with Duchenne muscular dystrophy (PMID: 16049303). This variant is not present in population databases (gnomAD no frequency). This sequence change creates a premature translational stop signal (p.Pro2068Leufs*5) in the DMD gene. It is expected to result in an absent or disrupted protein product. Loss-of-function variants in DMD are known to be pathogenic (PMID: 16770791, 25007885).

Literature cited by the submitters: PubMed 16049303; PubMed 16770791; PubMed 25007885.

NM_004006.3(DMD):c.6203del (p.Pro2068fs)

Gene: DMD (dystrophin; minus strand). Cytogenetic location: Xp21.1.
Variant type: Deletion.
Coding change: c.6203del on transcript NM_004006.3 (MANE Select); coding-DNA position 6203, one base deleted (C; older notation c.6203delC).
Protein change: p.Pro2068fs; shifts the reading frame from proline 2068.
Molecular consequence: frameshift variant.
Genome position (GRCh38, 1-based): chrX:32,287,616, G deleted on the plus strand (C on the coding strand, the reverse complement: DMD is on the minus strand); the first of 2 consecutive G bases (chrX:32,287,616-32,287,617); deleting either gives the same sequence. VCF-style (leftmost placement, unchanged base first): chrX-32287615-AG-A. GRCh37 (hg19) VCF-style: chrX-32305732-AG-A.
Other names: c.6179del, p.Pro2060fs (NM_000109.4); c.6191del, p.Pro2064fs (NM_004009.3); c.5834del, p.Pro1945fs (NM_004010.3); c.2180del, p.Pro727fs (NM_004011.4); c.2171del, p.Pro724fs (NM_004012.4); short protein forms P2060fs, P2064fs, P724fs, P2068fs, P727fs, P1945fs.
Identifiers: ClinVar variation 950754 (VCV000950754.10), dbSNP rs2097447725, ClinGen allele CA1139667361.